The following is an entry in ClinVar:

NM_004793.4(LONP1):c.981C>A (p.Asn327Lys)

Gene: LONP1 (lon peptidase 1, mitochondrial; minus strand). Cytogenetic location: 19p13.3.
Variant type: single nucleotide variant.
Coding change: c.981C>A on transcript NM_004793.4 (MANE Select); coding-DNA position 981, C replaced by A.
Protein change: p.Asn327Lys; replaces asparagine 327 with lysine.
Molecular consequence: missense variant. On other transcripts: non-coding transcript variant (1).
Genome position (GRCh38, 1-based): chr19:5,707,778, G>T on the plus strand (C>A on the coding strand, the complement: LONP1 is on the minus strand). VCF-style: chr19-5707778-G-T. GRCh37 (hg19) VCF-style: chr19-5707789-G-T.
Other names: c.789C>A, p.Asn263Lys (NM_001276479.2); c.393C>A, p.Asn131Lys (NM_001276480.1); short protein forms N131K, N263K, N327K.
Identifiers: ClinVar variation 1722778 (VCV001722778.3), dbSNP rs2055171673, ClinGen allele CA403536152.

ClinVar aggregate classification (germline): Uncertain significance (1 of 4 stars; one submission).

Submission:

GeneDx
Classification: Uncertain significance. Last evaluated: 2023-11-14. Review status: criteria provided, single submitter. Criteria: GeneDx Variant Classification Process June 2021. Collection method: clinical testing. Allele origin: germline. Affected: yes.
Comment: Not observed at significant frequency in large population cohorts (gnomAD); In silico analysis supports that this missense variant has a deleterious effect on protein structure/function; Has not been previously published as pathogenic or benign to our knowledge